The following is an entry in ClinVar:

NM_001277313.2(FMN1):c.4059G>A (p.Met1353Ile)

Gene: FMN1 (formin 1; minus strand). Cytogenetic location: 15q13.3.
Variant type: single nucleotide variant.
Coding change: c.4059G>A on transcript NM_001277313.2 (MANE Select); coding-DNA position 4059, G replaced by A.
Protein change: p.Met1353Ile; replaces methionine 1353 with isoleucine.
Molecular consequence: missense variant.
Genome position (GRCh38, 1-based): chr15:32,798,875, C>T on the plus strand (G>A on the coding strand, the complement: FMN1 is on the minus strand). VCF-style: chr15-32798875-C-T. GRCh37 (hg19) VCF-style: chr15-33091076-C-T.
Other names: c.3390G>A (NM_001103184.2); c.3390G>A, p.Met1130Ile (NM_001103184.4); short protein forms M1353I, M1130I.
Identifiers: ClinVar variation 1372715 (VCV001372715.9), dbSNP rs763037303, ClinGen allele CA7456284.

ClinVar aggregate classification (germline): Uncertain significance. Review status: criteria provided, multiple submitters, no conflicts (2 of 4 stars). 2 submissions from 2 submitters: Uncertain significance (2). Last evaluated 2025-08-13.

Allele frequency attached by ClinVar (database versions not stated): gnomAD 0.00002 and 0.00003; ExAC 0.00003; TOPMed 0.00004.

Submissions (2):

Ambry Genetics
Classification: Uncertain significance. Last evaluated: 2025-08-13. Review status: criteria provided, single submitter. Criteria: Ambry Variant Classification Scheme 2023. Collection method: clinical testing. Allele origin: germline.

Labcorp Genetics (formerly Invitae), Labcorp
Classification: Uncertain significance. Last evaluated: 2022-07-25. Review status: criteria provided, single submitter. Criteria: Invitae Variant Classification Sherloc (09022015). Collection method: clinical testing. Allele origin: germline.
Comment: Algorithms developed to predict the effect of missense changes on protein structure and function are either unavailable or do not agree on the potential impact of this missense change (SIFT: "Tolerated"; PolyPhen-2: "Possibly Damaging"; Align-GVGD: "Class C0"). ClinVar contains an entry for this variant (Variation ID: 1372715). This variant has not been reported in the literature in individuals affected with FMN1-related conditions. This variant is present in population databases (rs763037303, gnomAD 0.06%). This sequence change replaces methionine, which is neutral and non-polar, with isoleucine, which is neutral and non-polar, at codon 1130 of the FMN1 protein (p.Met1130Ile). Algorithms developed to predict the effect of sequence changes on RNA splicing suggest that this variant may create or strengthen a splice site. In summary, the available evidence is currently insufficient to determine the role of this variant in disease. Therefore, it has been classified as a Variant of Uncertain Significance.